The following is an entry in ClinVar:

NM_024757.5(EHMT1):c.2505+1140C>T

Gene: EHMT1 (euchromatic histone lysine methyltransferase 1; plus strand). Cytogenetic location: 9q34.3.
Variant type: single nucleotide variant.
Coding change: c.2505+1140C>T on transcript NM_024757.5 (MANE Select); 1140 bases into the intron after coding-DNA position 2505, C replaced by T.
Molecular consequence: intron variant. On other transcripts: missense variant (1).
Genome position (GRCh38, 1-based): chr9:137,792,110, C>T. VCF-style: chr9-137792110-C-T. GRCh37 (hg19) VCF-style: chr9-140686562-C-T.
Other names: c.2468C>T, p.Thr823Ile (NM_001354259.2); c.2484+1140C>T (NM_001354263.2); short protein forms T823I.
Identifiers: ClinVar variation 4987971 (VCV004987971.1).

ClinVar aggregate classification (germline): Uncertain significance (1 of 4 stars; one submission).

Conditions:
EHMT1-related disorder. Also called: EHMT1-related condition.

gnomAD v4.1: 2 of 469,840 alleles (0.00043%); highest among the groups gnomAD compares: African/African-American, 0.002%; no homozygotes.

Submission:

PreventionGenetics, part of Exact Sciences
Classification: Uncertain significance for EHMT1-related condition. Last evaluated: 2025-12-11. Review status: criteria provided, single submitter. Criteria: ACMG Guidelines, 2015. Collection method: clinical testing. Allele origin: germline.
Comment: The EHMT1 c.2468C>T variant is predicted to result in the amino acid substitution p.Thr823Ile. To our knowledge, this variant has not been reported in the literature or in a large population database (gnomAD), indicating this variant is rare. This variant is located in the terminal exon of an alternate transcript. In this primary transcript, this variant is deep intronic (NM_024757.4:c.2505+1140C>T). Although we suspect that this variant may be benign, at this time, the clinical significance of this variant is uncertain due to the absence of conclusive functional and genetic evidence.